The following is an entry in ClinVar:

ClinVar aggregate classification (germline): Pathogenic. Review status: criteria provided, multiple submitters, no conflicts (2 of 4 stars). 4 submissions from 4 submitters: Pathogenic (4). Last evaluated 2026-05-13.

Conditions:
Hereditary cancer-predisposing syndrome. Also called: Neoplastic Syndromes, Hereditary; Hereditary Cancer Syndrome; Tumor predisposition; Hereditary neoplastic syndrome. Identifiers: Orphanet 140162, MedGen C0027672, MeSH D009386, MONDO:0015356.
Familial adenomatous polyposis 1 (FAP1). Also called: FAMILIAL ADENOMATOUS POLYPOSIS 1, ATTENUATED; POLYPOSIS, ADENOMATOUS INTESTINAL. Identifiers: MedGen C2713442, MONDO:0021056, OMIM 175100. Disease mechanism: loss of function.

Submissions (4):

Ambry Genetics
Classification: Pathogenic for Hereditary cancer-predisposing syndrome. Last evaluated: 2026-05-13. Review status: criteria provided, single submitter. Criteria: Ambry Variant Classification Scheme 2023. Collection method: clinical testing. Allele origin: germline.
Comment: The p.Q358* pathogenic mutation (also known as c.1072C>T), located in coding exon 9 of the APC gene, results from a C to T substitution at nucleotide position 1072. This changes the amino acid from a glutamine to a stop codon within coding exon 9. This variant was reported in individual(s) with features consistent with APC-related familial adenomatous polyposis (Giarola M et al. Hum Mutat, 1999;13:116-23; G&oacute;mez-Fern&aacute;ndez N et al. BMC Med Genet, 2009 Jun;10:57; Ambry internal data). This variant is considered to be rare based on population cohorts in the Genome Aggregation Database (gnomAD). This alteration is expected to result in loss of function by premature protein truncation or nonsense-mediated mRNA decay. As such, this alteration is interpreted as a disease-causing mutation.

Labcorp Genetics (formerly Invitae), Labcorp
Classification: Pathogenic for Familial adenomatous polyposis 1. Last evaluated: 2025-10-31. Review status: criteria provided, single submitter. Criteria: Invitae Variant Classification Sherloc (09022015). Collection method: clinical testing. Allele origin: germline.
Comment: This sequence change creates a premature translational stop signal (p.Gln358*) in the APC gene. It is expected to result in an absent or disrupted protein product. Loss-of-function variants in APC are known to be pathogenic (PMID: 17963004, 20685668). This variant is not present in population databases (gnomAD no frequency). This premature translational stop signal has been observed in individual(s) with FAP (PMID: 10094547). ClinVar contains an entry for this variant (Variation ID: 216010). Algorithms developed to predict the effect of sequence changes on RNA splicing suggest that this variant may disrupt the consensus splice site. For these reasons, this variant has been classified as Pathogenic.

Myriad Genetics, Inc.
Classification: Pathogenic for Familial adenomatous polyposis 1. Last evaluated: 2023-04-28. Review status: criteria provided, single submitter. Criteria: Myriad Autosomal Dominant, Autosomal Recessive and X-Linked Classification Criteria (2023). Collection method: clinical testing. Allele origin: unknown.
Comment: This variant is considered pathogenic. This variant creates a termination codon and is predicted to result in premature protein truncation.

Color Diagnostics, LLC DBA Color Health
Classification: Pathogenic for Hereditary cancer-predisposing syndrome. Last evaluated: 2020-01-14. Review status: criteria provided, single submitter. Criteria: ACMG Guidelines, 2015. Collection method: clinical testing. Allele origin: germline.
Comment: This variant changes 1 nucleotide in exon 10 of the APC gene, creating a premature translation stop signal. This variant is expected to result in an absent or non-functional protein product. This variant has not been identified in the general population by the Genome Aggregation Database (gnomAD). Loss of APC function is a known mechanism of disease. Based on the available evidence, this variant is classified as Pathogenic.

Literature cited by the submitters: PubMed 10094547 (cited by Ambry Genetics and Labcorp Genetics (formerly Invitae), Labcorp); PubMed 19531215 (cited by Ambry Genetics); PubMed 17963004 (cited by Labcorp Genetics (formerly Invitae), Labcorp); PubMed 20685668 (cited by Labcorp Genetics (formerly Invitae), Labcorp).

NM_000038.6(APC):c.1072C>T (p.Gln358Ter)

Gene: APC (APC regulator of Wnt signaling pathway; plus strand). Cytogenetic location: 5q22.2.
Variant type: single nucleotide variant.
Coding change: c.1072C>T on transcript NM_000038.6 (MANE Select); coding-DNA position 1072, C replaced by T.
Protein change: p.Gln358Ter; replaces glutamine 358 with a stop codon.
Molecular consequence: nonsense. On other transcripts: intron variant (4).
Genome position (GRCh38, 1-based): chr5:112,819,104, C>T. VCF-style: chr5-112819104-C-T. GRCh37 (hg19) VCF-style: chr5-112154801-C-T.
Other names: c.1072C>T, p.Gln358Ter (NM_001127510.3, NM_001354895.2, NM_001354896.2); c.1018C>T, p.Gln340Ter (NM_001127511.3); c.1102C>T, p.Gln368Ter (NM_001354897.2); c.997C>T, p.Gln333Ter (NM_001354898.2); c.988C>T, p.Gln330Ter (NM_001354899.2); c.895C>T, p.Gln299Ter (NM_001354900.2, NM_001354901.2); c.223C>T, p.Gln75Ter (NM_001354906.2); c.964-165C>T (NM_001354902.2); and 3 more; short protein forms Q340*, Q358*, Q330*, Q333*, Q75*, Q299*, Q368*.
Identifiers: ClinVar variation 216010 (VCV000216010.16), dbSNP rs863224455, ClinGen allele CA337910.